The following is an entry in ClinVar:

ClinVar aggregate classification (germline): Uncertain significance. Review status: criteria provided, multiple submitters, no conflicts (2 of 4 stars). 3 submissions from 3 submitters: Uncertain significance (3). Last evaluated 2025-10-15.

Conditions:
Cardiovascular phenotype. Identifiers: MedGen CN230736.
Brugada syndrome. Also called: Sudden unexpected nocturnal death syndrome; Sudden unexplained nocturnal death syndrome; Sudden Unexplained Death Syndrome; Sudden Unexplained Nocturnal Death Syndrome (SUNDS). Identifiers: Orphanet 130, MedGen C1142166, MONDO:0015263.

Allele frequency attached by ClinVar (database versions not stated): gnomAD exomes below 0.00001 and 0.00001; TOPMed below 0.00001; ExAC 0.00001.
gnomAD v4.1: 5 of 1,614,080 alleles (0.00031%); highest among the groups gnomAD compares: South Asian, 0.0011%; no homozygotes.

Submissions (3):

Ambry Genetics
Classification: Uncertain significance for Cardiovascular phenotype. Last evaluated: 2025-10-15. Review status: criteria provided, single submitter. Criteria: Ambry Variant Classification Scheme 2023. Collection method: clinical testing. Allele origin: germline.

Blueprint Genetics
Classification: Uncertain significance. Last evaluated: 2023-09-07. Review status: criteria provided, single submitter. Criteria: ACMG Guidelines, 2015. Collection method: clinical testing. Allele origin: germline.

Labcorp Genetics (formerly Invitae), Labcorp
Classification: Uncertain significance for Brugada syndrome. Last evaluated: 2019-07-15. Review status: criteria provided, single submitter. Criteria: Invitae Variant Classification Sherloc (09022015). Collection method: clinical testing. Allele origin: germline.
Comment: In summary, the available evidence is currently insufficient to determine the role of this variant in disease. Therefore, it has been classified as a Variant of Uncertain Significance. Algorithms developed to predict the effect of missense changes on protein structure and function are either unavailable or do not agree on the potential impact of this missense change (SIFT: "Deleterious"; PolyPhen-2: "Not Available"; Align-GVGD: "Class C0"). This variant has not been reported in the literature in individuals with SCN10A-related conditions. This variant is present in population databases (rs777591347, ExAC 0.001%). This sequence change replaces tyrosine with cysteine at codon 1839 of the SCN10A protein (p.Tyr1839Cys). The tyrosine residue is moderately conserved and there is a large physicochemical difference between tyrosine and cysteine.

NM_006514.4(SCN10A):c.5516A>G (p.Tyr1839Cys)

Gene: SCN10A (sodium voltage-gated channel alpha subunit 10; minus strand). Cytogenetic location: 3p22.2.
Variant type: single nucleotide variant.
Coding change: c.5516A>G on transcript NM_006514.4 (MANE Select); coding-DNA position 5516, A replaced by G.
Protein change: p.Tyr1839Cys; replaces tyrosine 1839 with cysteine.
Molecular consequence: missense variant.
Genome position (GRCh38, 1-based): chr3:38,697,704, T>C on the plus strand (A>G on the coding strand, the complement: SCN10A is on the minus strand). VCF-style: chr3-38697704-T-C. GRCh37 (hg19) VCF-style: chr3-38739195-T-C.
Other names: c.5513A>G, p.Tyr1838Cys (NM_001293306.2); c.5222A>G, p.Tyr1741Cys (NM_001293307.2); short protein forms Y1838C, Y1741C, Y1839C.
Identifiers: ClinVar variation 938480 (VCV000938480.10), dbSNP rs777591347, ClinGen allele CA2319663.